The following is an entry in ClinVar:

NM_000383.4(AIRE):c.250G>A (p.Asp84Asn)

Gene: AIRE (autoimmune regulator; plus strand). Cytogenetic location: 21q22.3.
Variant type: single nucleotide variant.
Coding change: c.250G>A on transcript NM_000383.4 (MANE Select); coding-DNA position 250, G replaced by A.
Protein change: p.Asp84Asn; replaces aspartic acid 84 with asparagine.
Molecular consequence: missense variant.
Genome position (GRCh38, 1-based): chr21:44,286,674, G>A. VCF-style: chr21-44286674-G-A. GRCh37 (hg19) VCF-style: chr21-45706557-G-A.
Other names: short protein forms D84N.
Identifiers: ClinVar variation 4535682 (VCV004535682.1).

ClinVar aggregate classification (germline): Uncertain significance (1 of 4 stars; one submission).

gnomAD v4.1: 2 of 1,613,064 alleles (0.00012%); highest among the groups gnomAD compares: South Asian, 0.0011%; no homozygotes.

Submission:

Women's Health and Genetics/Laboratory Corporation of America, LabCorp
Classification: Uncertain significance. Last evaluated: 2025-09-08. Review status: criteria provided, single submitter. Criteria: LabCorp Variant Classification Summary - May 2015. Collection method: clinical testing. Allele origin: germline.
Comment: Variant summary: AIRE c.250G>A (p.Asp84Asn) results in a conservative amino acid change in the encoded protein sequence. Algorithms developed to predict the effect of missense changes on protein structure and function are either unavailable or do not agree on the potential impact of this missense change. The variant allele was found at a frequency of 8e-06 in 250954 control chromosomes. The available data on variant occurrences in the general population are insufficient to allow any conclusion about variant significance. To our knowledge, no occurrence of c.250G>A in individuals affected with AIRE-related conditions and no experimental evidence demonstrating its impact on protein function have been reported. No submitters have cited clinical-significance assessments for this variant to ClinVar. Based on the evidence outlined above, the variant was classified as uncertain significance.